The following is an entry in ClinVar:

ClinVar aggregate classification (germline): Uncertain significance (1 of 4 stars; one submission).

Conditions:
Epilepsy, X-linked 1, with variable learning disabilities and behavior disorders. Also called: X-linked epilepsy-learning disabilities-behavior disorders syndrome. Identifiers: Orphanet 85294, MedGen C5774177, MONDO:0010339, OMIM 300491.

Allele frequency attached by ClinVar (database versions not stated): gnomAD exomes 0.00001; TOPMed 0.00003.
gnomAD v4.1: 8 of 1,191,737 alleles (0.00067%); highest among the groups gnomAD compares: African/African-American, 0.0017%; no homozygotes.

Submission:

Labcorp Genetics (formerly Invitae), Labcorp
Classification: Uncertain significance for Epilepsy, X-linked 1, with variable learning disabilities and behavior disorders. Last evaluated: 2024-02-24. Review status: criteria provided, single submitter. Criteria: Invitae Variant Classification Sherloc (09022015). Collection method: clinical testing. Allele origin: germline.
Comment: This sequence change replaces arginine, which is basic and polar, with glutamine, which is neutral and polar, at codon 424 of the SYN1 protein (p.Arg424Gln). This variant is not present in population databases (gnomAD no frequency). This variant has not been reported in the literature in individuals affected with SYN1-related conditions. ClinVar contains an entry for this variant (Variation ID: 2178614). An algorithm developed to predict the effect of missense changes on protein structure and function (PolyPhen-2) suggests that this variant is likely to be disruptive. In summary, the available evidence is currently insufficient to determine the role of this variant in disease. Therefore, it has been classified as a Variant of Uncertain Significance.

NM_006950.3(SYN1):c.1271G>A (p.Arg424Gln)

Gene: SYN1 (synapsin I; minus strand). Cytogenetic location: Xp11.3.
Variant type: single nucleotide variant.
Coding change: c.1271G>A on transcript NM_006950.3 (MANE Select); coding-DNA position 1271, G replaced by A.
Protein change: p.Arg424Gln; replaces arginine 424 with glutamine.
Molecular consequence: missense variant.
Genome position (GRCh38, 1-based): chrX:47,575,162, C>T on the plus strand (G>A on the coding strand, the complement: SYN1 is on the minus strand). VCF-style: chrX-47575162-C-T. GRCh37 (hg19) VCF-style: chrX-47434561-C-T.
Other names: c.1271G>A, p.Arg424Gln (NM_133499.2); short protein forms R424Q.
Identifiers: ClinVar variation 2178614 (VCV002178614.4), dbSNP rs909332243, ClinGen allele CA329057747.
Genomic context (GRCh38, chrX:47,575,162, plus strand): 5'-CACTAGCTCAGCGCCAGGGGCCTGACCTGGCCATGGGAGCCCCTGCCAGGGGAGGCATCC[C>T]GCTGTCGCTGCCGGGGCAGGGCCTGAGCCATCTTGTTGACCACGAGCTCTACGATGAGCT-3'
Protein context (NP_008881.2, residues 414-434): MAQALPRQRQ[Arg424Gln]DASPGRGSHG